The following is an entry in ClinVar:

ClinVar aggregate classification (germline): Uncertain significance. Review status: criteria provided, multiple submitters, no conflicts (2 of 4 stars). 2 submissions from 2 submitters: Uncertain significance (2). Last evaluated 2026-09-17.

Conditions:
Thrombomodulin-related bleeding disorder (THPH12). Also called: Thrombophilia due to thrombomodulin defect. Identifiers: Orphanet 436169, MedGen C3280976, MONDO:0013775, OMIM 614486.

Submissions (2):

Genomenon, Inc
Classification: Uncertain significance for Thrombomodulin-related bleeding disorder. Last evaluated: 2026-09-17. Review status: criteria provided, single submitter. Criteria: Genomenon Sequence Variant Interpretation Standards - Updated. Collection method: curation. Allele origin: germline. Affected: no.
Comment: THBD p.Val231Ile (c.691G>A) is a missense variant that changes the amino acid at codon 231 from valine to isoleucine. This variant has been reported in the published literature (PMID:37103770;28387984;25951460). It is absent or not present at a significant frequency in gnomAD. In silico models predict that this variant is not damaging. In conclusion, we classify THBD p.Val231Ile (c.691G>A) as a variant of uncertain significance.

Blueprint Genetics
Classification: Uncertain significance. Last evaluated: 2018-06-26. Review status: criteria provided, single submitter. Criteria: ACMG Guidelines, 2015. Collection method: clinical testing. Allele origin: germline.

Literature cited by the submitters: PubMed 37103770 (cited by Genomenon, Inc); PubMed 28387984 (cited by Genomenon, Inc); PubMed 25951460 (cited by Genomenon, Inc).

NM_000361.3(THBD):c.691G>A (p.Val231Ile)

Gene: THBD (thrombomodulin; minus strand). Cytogenetic location: 20p11.21.
Variant type: single nucleotide variant.
Coding change: c.691G>A on transcript NM_000361.3 (MANE Select); coding-DNA position 691, G replaced by A.
Protein change: p.Val231Ile; replaces valine 231 with isoleucine.
Molecular consequence: missense variant.
Genome position (GRCh38, 1-based): chr20:23,048,814, C>T on the plus strand (G>A on the coding strand, the complement: THBD is on the minus strand). VCF-style: chr20-23048814-C-T. GRCh37 (hg19) VCF-style: chr20-23029451-C-T.
Other names: short protein forms V231I.
Identifiers: ClinVar variation 4280334 (VCV004280334.3).